The following is an entry in ClinVar:

NM_000137.4(FAH):c.578G>A (p.Cys193Tyr)

Gene: FAH (fumarylacetoacetate hydrolase; plus strand). Cytogenetic location: 15q25.1.
Variant type: single nucleotide variant.
Coding change: c.578G>A on transcript NM_000137.4 (MANE Select); coding-DNA position 578, G replaced by A.
Protein change: p.Cys193Tyr; replaces cysteine 193 with tyrosine.
Molecular consequence: missense variant.
Genome position (GRCh38, 1-based): chr15:80,168,288, G>A. VCF-style: chr15-80168288-G-A. GRCh37 (hg19) VCF-style: chr15-80460630-G-A.
Other names: c.578G>A, p.Cys193Tyr (NM_001374377.1, NM_001374380.1); short protein forms C193Y.
Identifiers: ClinVar variation 3251862 (VCV003251862.3), dbSNP rs780649150.
Genomic context (GRCh38, chr15:80,168,288, plus strand): 5'-AGCACCGTTTTTTTTTTTTTTCTGGTGTTATTCCAGCTAAGCCTCCCGTATATGGTGCCT[G>A]CAAGCTCTTGGACATGGAGCTGGAAATGGTAAGTGAGCTTGATGTTTTATTGCCATGGGA-3'
Protein context (NP_000128.1, residues 183-203): DDSKPPVYGA[Cys193Tyr]KLLDMELEMA

ClinVar aggregate classification (germline): Conflicting classifications of pathogenicity. Review status: criteria provided, conflicting classifications (1 of 4 stars). 3 submissions from 3 submitters: Likely pathogenic (1); Uncertain significance (2). Last evaluated 2026-01-26.

Conditions:
Tyrosinemia type I (TYRSN1). Also called: FAH DEFICIENCY; Tyrosinemia type 1; Fumarylacetoacetase deficiency; Deficiency of fumarylacetoacetase; HEPATORENAL TYROSINEMIA. Identifiers: Orphanet 882, MedGen C0268490, MONDO:0010161, OMIM 276700. Disease mechanism: loss of function.

Allele frequency attached by ClinVar (database versions not stated): ExAC 0.00001.

Submissions (3):

Myriad Genetics, Inc.
Classification: Uncertain significance for Tyrosinemia type I. Last evaluated: 2026-01-26. Review status: criteria provided, single submitter. Criteria: Myriad Autosomal Dominant, Autosomal Recessive and X-Linked Classification Criteria (2023). Collection method: clinical testing. Allele origin: unknown.
Comment: NM_000137.2(FAH):c.578G>A(C193Y) is a missense variant classified as a variant of uncertain significance in the context of tyrosinemia type I. C193Y has been observed in cases with relevant disease (PMID: 36393896). Relevant functional assessments of this variant are not available in the literature. C193Y has been observed in referenced population frequency databases. In summary, there is insufficient evidence to classify NM_000137.2(FAH):c.578G>A(C193Y) as pathogenic or benign. Please note: this variant was assessed in the context of healthy population screening.

Fulgent Genetics
Classification: Likely pathogenic for Tyrosinemia type I. Last evaluated: 2024-04-23. Review status: criteria provided, single submitter. Criteria: ACMG Guidelines, 2015. Collection method: clinical testing. Allele origin: germline.

Women's Health and Genetics/Laboratory Corporation of America, LabCorp
Classification: Uncertain significance. Last evaluated: 2024-04-18. Review status: criteria provided, single submitter. Criteria: LabCorp Variant Classification Summary - May 2015. Collection method: clinical testing. Allele origin: germline.
Comment: Variant summary: FAH c.578G>A (p.Cys193Tyr) results in a non-conservative amino acid change located in the Fumarylacetoacetase-like, C-terminal domain (IPR011234) of the encoded protein sequence. Five of five in-silico tools predict a damaging effect of the variant on protein function. The variant allele was found at a frequency of 4e-06 in 250386 control chromosomes. c.578G>A has been reported in the literature as a compound heterozygous genotype together with a pathogenic variant in two apparently unrelated individuals affected with Tyrosinemia Type 1 (Hajji_2022). These data indicate that the variant may be associated with disease. To our knowledge, no experimental evidence demonstrating an impact on protein function has been reported. The following publication has been ascertained in the context of this evaluation (PMID: 36393896). No submitters have cited clinical-significance assessments for this variant to ClinVar. Based on the evidence outlined above, the variant was classified as VUS-possibly pathogenic.

Literature cited by the submitters: PubMed 36393896 (cited by Myriad Genetics, Inc. and Women's Health and Genetics/Laboratory Corporation of America, LabCorp).